The following is an entry in ClinVar:

NM_003743.5(NCOA1):c.3222A>G (p.Gln1074=)

Gene: NCOA1 (nuclear receptor coactivator 1; plus strand). Cytogenetic location: 2p23.3.
Variant type: single nucleotide variant.
Coding change: c.3222A>G on transcript NM_003743.5 (MANE Select); coding-DNA position 3222, A replaced by G.
Protein change: p.Gln1074=; no amino-acid change (glutamine 1074 retained).
Molecular consequence: synonymous variant.
Genome position (GRCh38, 1-based): chr2:24,739,452, A>G. VCF-style: chr2-24739452-A-G. GRCh37 (hg19) VCF-style: chr2-24962321-A-G.
Other names: c.3222A>G, p.Gln1074= (NM_001362950.1, NM_001362952.1, NM_001362954.1 and 3 more transcripts).
Identifiers: ClinVar variation 4978399 (VCV004978399.1).
Genomic context (GRCh38, chr2:24,739,452, plus strand): 5'-GTGTGTAGAAATATATCTTATTGTTTCCATTTTTCTCTAGTTGATACACCAAAATCGGCA[A>G]GCTATCTTAAACCAGTTTGCAGCAACTGCTCCTGTTGGCATCAATATGAGATCAGGCATG-3'
Protein context (NP_003734.3, residues 1064-1084): GQQQLIHQNR[Gln1074=]AILNQFAATA

ClinVar aggregate classification (germline): Likely benign (1 of 4 stars; one submission).

Conditions:
NCOA1-related disorder. Also called: NCOA1-related condition.

Submission:

PreventionGenetics, part of Exact Sciences
Classification: Likely benign for NCOA1-related condition. Last evaluated: 2025-01-02. Review status: criteria provided, single submitter. Criteria: ACMG Guidelines, 2015. Collection method: clinical testing. Allele origin: germline.
Comment: This variant is classified as likely benign based on ACMG/AMP sequence variant interpretation guidelines (Richards et al. 2015 PMID: 25741868, with internal and published modifications).